The following is an entry in ClinVar:

NM_004958.4(MTOR):c.3577C>A (p.Pro1193Thr)

Gene: MTOR (mechanistic target of rapamycin kinase; minus strand). Cytogenetic location: 1p36.22.
Variant type: single nucleotide variant.
Coding change: c.3577C>A on transcript NM_004958.4 (MANE Select); coding-DNA position 3577, C replaced by A.
Protein change: p.Pro1193Thr; replaces proline 1193 with threonine.
Molecular consequence: missense variant.
Genome position (GRCh38, 1-based): chr1:11,210,891, G>T on the plus strand (C>A on the coding strand, the complement: MTOR is on the minus strand). VCF-style: chr1-11210891-G-T. GRCh37 (hg19) VCF-style: chr1-11270948-G-T.
Other names: c.3577C>A, p.Pro1193Thr (NM_001386500.1); c.2329C>A, p.Pro777Thr (NM_001386501.1); short protein forms P777T, P1193T.
Identifiers: ClinVar variation 2060269 (VCV002060269.4), dbSNP rs2523092260, ClinGen allele CA338372363.

ClinVar aggregate classification (germline): Uncertain significance (1 of 4 stars; one submission).

Allele frequency attached by ClinVar (database versions not stated): gnomAD exomes below 0.00001.

Submission:

Labcorp Genetics (formerly Invitae), Labcorp
Classification: Uncertain significance. Last evaluated: 2021-12-25. Review status: criteria provided, single submitter. Criteria: Invitae Variant Classification Sherloc (09022015). Collection method: clinical testing. Allele origin: germline.
Comment: This sequence change replaces proline, which is neutral and non-polar, with threonine, which is neutral and polar, at codon 1193 of the MTOR protein (p.Pro1193Thr). In summary, the available evidence is currently insufficient to determine the role of this variant in disease. Therefore, it has been classified as a Variant of Uncertain Significance. Advanced modeling of protein sequence and biophysical properties (such as structural, functional, and spatial information, amino acid conservation, physicochemical variation, residue mobility, and thermodynamic stability) performed at Invitae indicates that this missense variant is expected to disrupt MTOR protein function. This variant has not been reported in the literature in individuals affected with MTOR-related conditions. This variant is not present in population databases (gnomAD no frequency).